The following is an entry in ClinVar:

ClinVar aggregate classification (germline): Uncertain significance (1 of 4 stars; one submission).

Conditions:
Familial cancer of breast. Also called: Hereditary breast cancer; BREAST CANCER, FAMILIAL; hereditary breast carcinoma. Identifiers: Orphanet 227535, MedGen C0346153, MONDO:0016419, OMIM 114480. Disease mechanism: loss of function.

Submission:

Labcorp Genetics (formerly Invitae), Labcorp
Classification: Uncertain significance for Familial cancer of breast. Last evaluated: 2019-01-21. Review status: criteria provided, single submitter. Criteria: Invitae Variant Classification Sherloc (09022015). Collection method: clinical testing. Allele origin: germline.
Comment: This variant has not been reported in the literature in individuals with BARD1-related conditions. Algorithms developed to predict the effect of missense changes on protein structure and function output the following: SIFT: "Tolerated"; PolyPhen-2: "Benign"; Align-GVGD: "Class C0". The lysine amino acid residue is found in multiple mammalian species, suggesting that this missense change does not adversely affect protein function. These predictions have not been confirmed by published functional studies and their clinical significance is uncertain. In summary, the available evidence is currently insufficient to determine the role of this variant in disease. Therefore, it has been classified as a Variant of Uncertain Significance. This variant is not present in population databases (ExAC no frequency). This sequence change replaces isoleucine with lysine at codon 169 of the BARD1 protein (p.Ile169Lys). The isoleucine residue is weakly conserved and there is a moderate physicochemical difference between isoleucine and lysine.

NM_000465.4(BARD1):c.506T>A (p.Ile169Lys)

Gene: BARD1 (BRCA1 associated RING domain 1; minus strand). Cytogenetic location: 2q35.
Variant type: single nucleotide variant.
Coding change: c.506T>A on transcript NM_000465.4 (MANE Select); coding-DNA position 506, T replaced by A.
Protein change: p.Ile169Lys; replaces isoleucine 169 with lysine.
Molecular consequence: missense variant. On other transcripts: non-coding transcript variant (2), intron variant (3).
Genome position (GRCh38, 1-based): chr2:214,781,368, A>T on the plus strand (T>A on the coding strand, the complement: BARD1 is on the minus strand). VCF-style: chr2-214781368-A-T. GRCh37 (hg19) VCF-style: chr2-215646092-A-T.
Other names: c.449T>A, p.Ile150Lys (NM_001282543.2); c.158+28044T>A (NM_001282548.2); c.215+15693T>A (NM_001282545.2); c.364+10929T>A (NM_001282549.2); short protein forms I150K, I169K.
Identifiers: ClinVar variation 864649 (VCV000864649.10), dbSNP rs1553622645, ClinGen allele CA350457509.